The following is an entry in ClinVar:

ClinVar aggregate classification (germline): Uncertain significance (1 of 4 stars; one submission).

Conditions:
Cardiovascular phenotype. Identifiers: MedGen CN230736.

Allele frequency attached by ClinVar (database versions not stated): gnomAD exomes below 0.00001; gnomAD 0.00001; TOPMed 0.00001.
gnomAD v4.1: 2 of 1,613,874 alleles (0.00012%); highest among the groups gnomAD compares: Non-Finnish European, 0.00017%; no homozygotes.

Submission:

Ambry Genetics
Classification: Uncertain significance for Cardiovascular phenotype. Last evaluated: 2023-03-03. Review status: criteria provided, single submitter. Criteria: Ambry Variant Classification Scheme 2023. Collection method: clinical testing. Allele origin: germline.
Comment: The p.P730T variant (also known as c.2188C>A), located in coding exon 5 of the ALPK3 gene, results from a C to A substitution at nucleotide position 2188. The proline at codon 730 is replaced by threonine, an amino acid with highly similar properties. This amino acid position is conserved. In addition, this alteration is predicted to be tolerated by in silico analysis. Since supporting evidence is limited at this time, the clinical significance of this alteration remains unclear.

NM_020778.5(ALPK3):c.1582C>A (p.Pro528Thr)

Genes: ALPK3 (alpha kinase 3; plus strand), LOC111718493 (skeletal muscle cis-regulatory module overlapping ALPK3; plus strand). Cytogenetic location: 15q25.3.
Variant type: single nucleotide variant.
Coding change: c.1582C>A on transcript NM_020778.5 (MANE Select); coding-DNA position 1582, C replaced by A.
Protein change: p.Pro528Thr; replaces proline 528 with threonine.
Molecular consequence: missense variant.
Genome position (GRCh38, 1-based): chr15:84,840,861, C>A. VCF-style: chr15-84840861-C-A. GRCh37 (hg19) VCF-style: chr15-85384092-C-A.
Other names: short protein forms P528T.
Identifiers: ClinVar variation 3227452 (VCV003227452.1), dbSNP rs1198626416, ClinGen allele CA393376015.
Genomic context (GRCh38, chr15:84,840,861, plus strand): 5'-TGCGGGGCCCAGAGCTTAGGAAAGGCCCCACCTCAGGCCTCTGTGCAGGTGCCGACGCCC[C>A]CTGCCCGGCGGAGACATGGCACCCGGGACAGCACGTTGCAGGGGCAAGCAGGCCACAGGA-3'
Protein context (NP_065829.4, residues 518-538): PQASVQVPTP[Pro528Thr]ARRRHGTRDS